The following is an entry in ClinVar:

NM_178857.6(RP1L1):c.1862C>T (p.Ser621Leu)

Gene: RP1L1 (RP1 like 1). Cytogenetic location: 8p23.1.
Variant type: single nucleotide variant.
Coding change: c.1862C>T on transcript NM_178857.6 (MANE Select); coding-DNA position 1862, C replaced by T.
Protein change: p.Ser621Leu; replaces serine 621 with leucine.
Molecular consequence: missense variant.
Genome position (GRCh38, 1-based): chr8:10,612,236, G>A on the plus strand (C>T on the coding strand, the complement: RP1L1 is on the minus strand). VCF-style: chr8-10612236-G-A. GRCh37 (hg19) VCF-style: chr8-10469746-G-A.
Other names: c.1862C>T (NM_178857.5); short protein forms S621L.
Identifiers: ClinVar variation 4899336 (VCV004899336.2).
Genomic context (GRCh38, chr8:10,612,236, plus strand): 5'-TGCCTTCTCTGCCCCTGCTGGGATGAAGTGCAGGTGGAAGGGGTGGAAGAGGCTCCTTCC[G>A]AGTCCCAGGAGCAGGAAAGGCCCAGAACCAGAGGCTCCCTTGTCACAGCCGCTCCCGTGG-3'
Protein context (NP_849188.4, residues 611-631): LVLGLSCSWD[Ser621Leu]EGASSTPSTC

ClinVar aggregate classification (germline): Uncertain significance. Review status: criteria provided, multiple submitters, no conflicts (2 of 4 stars). 2 submissions from 2 submitters: Uncertain significance (2). Last evaluated 2026-07-26.

Conditions:
RP1L1-related disorder. Also called: RP1L1-related condition.

Submissions (2):

PreventionGenetics, part of Exact Sciences
Classification: Uncertain significance for RP1L1-related condition. Last evaluated: 2026-07-26. Review status: criteria provided, single submitter. Criteria: ACMG Guidelines, 2015. Collection method: clinical testing. Allele origin: germline.
Comment: The RP1L1 c.1862C>T variant is predicted to result in the amino acid substitution p.Ser621Leu. To our knowledge, this variant has not been reported in the literature. This variant is reported in 0.013% of alleles in individuals of South Asian descent in gnomAD. At this time, the clinical significance of this variant is uncertain due to the absence of conclusive functional and genetic evidence.

Blueprint Genetics
Classification: Uncertain significance. Last evaluated: 2023-02-20. Review status: criteria provided, single submitter. Criteria: ACMG Guidelines, 2015. Collection method: clinical testing. Allele origin: germline.